The following is an entry in ClinVar:

NM_020937.4(FANCM):c.4784C>A (p.Pro1595His)

Gene: FANCM (FA complementation group M; plus strand). Cytogenetic location: 14q21.2.
Variant type: single nucleotide variant.
Coding change: c.4784C>A on transcript NM_020937.4 (MANE Select); coding-DNA position 4784, C replaced by A.
Protein change: p.Pro1595His; replaces proline 1595 with histidine.
Molecular consequence: missense variant.
Genome position (GRCh38, 1-based): chr14:45,188,806, C>A. VCF-style: chr14-45188806-C-A. GRCh37 (hg19) VCF-style: chr14-45658009-C-A.
Other names: c.4784C>A (LRG_502t1); c.4706C>A, p.Pro1569His (NM_001308133.2); short protein forms P1595H, P1569H.
Identifiers: ClinVar variation 456272 (VCV000456272.10), dbSNP rs750818919, ClinGen allele CA7169859.

ClinVar aggregate classification (germline): Uncertain significance. Review status: criteria provided, multiple submitters, no conflicts (2 of 4 stars). 2 submissions from 2 submitters: Uncertain significance (2). Last evaluated 2025-05-18.

Conditions:
Fanconi anemia (FA). Also called: Fanconi's anemia. Identifiers: Orphanet 84, MedGen C0015625, MeSH D005199, MONDO:0019391.
Inborn genetic diseases. Identifiers: MedGen C0950123, MeSH D030342.

Allele frequency attached by ClinVar (database versions not stated): gnomAD exomes 0.00001 and 0.00002; TOPMed 0.00001; ExAC 0.00002.
gnomAD v4.1: 8 of 1,607,922 alleles (0.0005%); highest among the groups gnomAD compares: East Asian, 0.016%; no homozygotes.

Submissions (2):

Ambry Genetics
Classification: Uncertain significance for Inborn genetic diseases. Last evaluated: 2025-05-18. Review status: criteria provided, single submitter. Criteria: Ambry Variant Classification Scheme 2023. Collection method: clinical testing. Allele origin: germline.

Labcorp Genetics (formerly Invitae), Labcorp
Classification: Uncertain significance for Fanconi anemia. Last evaluated: 2024-05-20. Review status: criteria provided, single submitter. Criteria: Invitae Variant Classification Sherloc (09022015). Collection method: clinical testing. Allele origin: germline.
Comment: This sequence change replaces proline, which is neutral and non-polar, with histidine, which is basic and polar, at codon 1595 of the FANCM protein (p.Pro1595His). This variant is present in population databases (rs750818919, gnomAD 0.02%). This variant has not been reported in the literature in individuals affected with FANCM-related conditions. ClinVar contains an entry for this variant (Variation ID: 456272). An algorithm developed to predict the effect of missense changes on protein structure and function (PolyPhen-2) suggests that this variant is likely to be disruptive. In summary, the available evidence is currently insufficient to determine the role of this variant in disease. Therefore, it has been classified as a Variant of Uncertain Significance.